The following is an entry in ClinVar:

ClinVar aggregate classification (germline): Uncertain significance (1 of 4 stars; one submission).

Allele frequency attached by ClinVar (database versions not stated): gnomAD 0.00001; TOPMed 0.00001.
gnomAD v4.1: 6 of 1,609,698 alleles (0.00037%); highest among the groups gnomAD compares: East Asian, 0.0022%; no homozygotes.

Submission:

Labcorp Genetics (formerly Invitae), Labcorp
Classification: Uncertain significance. Last evaluated: 2024-01-02. Review status: criteria provided, single submitter. Criteria: Invitae Variant Classification Sherloc (09022015). Collection method: clinical testing. Allele origin: germline.
Comment: This sequence change replaces arginine, which is basic and polar, with glutamine, which is neutral and polar, at codon 886 of the SBF1 protein (p.Arg886Gln). This variant is present in population databases (no rsID available, gnomAD 0.003%). This variant has not been reported in the literature in individuals affected with SBF1-related conditions. Advanced modeling of protein sequence and biophysical properties (such as structural, functional, and spatial information, amino acid conservation, physicochemical variation, residue mobility, and thermodynamic stability) performed at Invitae indicates that this missense variant is not expected to disrupt SBF1 protein function with a negative predictive value of 80%. In summary, the available evidence is currently insufficient to determine the role of this variant in disease. Therefore, it has been classified as a Variant of Uncertain Significance.

NM_002972.4(SBF1):c.2657G>A (p.Arg886Gln)

Gene: SBF1 (SET binding factor 1; minus strand). Cytogenetic location: 22q13.33.
Variant type: single nucleotide variant.
Coding change: c.2657G>A on transcript NM_002972.4 (MANE Select); coding-DNA position 2657, G replaced by A.
Protein change: p.Arg886Gln; replaces arginine 886 with glutamine.
Molecular consequence: missense variant.
Genome position (GRCh38, 1-based): chr22:50,461,705, C>T on the plus strand (G>A on the coding strand, the complement: SBF1 is on the minus strand). VCF-style: chr22-50461705-C-T. GRCh37 (hg19) VCF-style: chr22-50900134-C-T.
Other names: c.2660G>A, p.Arg887Gln (NM_001365819.1, NM_001410794.1); c.2657G>A, p.Arg886Gln (NM_001410795.1, NM_197971.1); short protein forms R886Q, R887Q.
Identifiers: ClinVar variation 2767840 (VCV002767840.1), dbSNP rs1172619016, ClinGen allele CA412208605.